The following is an entry in ClinVar:

NM_002291.3(LAMB1):c.2110-7T>C

Gene: LAMB1 (laminin subunit beta 1; minus strand). Cytogenetic location: 7q31.1.
Variant type: single nucleotide variant.
Coding change: c.2110-7T>C on transcript NM_002291.3 (MANE Select); 7 bases into the intron before coding-DNA position 2110, T replaced by C.
Molecular consequence: intron variant.
Genome position (GRCh38, 1-based): chr7:107,960,656, A>G on the plus strand (T>C on the coding strand, the complement: LAMB1 is on the minus strand). VCF-style: chr7-107960656-A-G. GRCh37 (hg19) VCF-style: chr7-107601101-A-G.
Identifiers: ClinVar variation 4999374 (VCV004999374.1).
Genomic context (GRCh38, chr7:107,960,656, plus strand): 5'-TGAACCTCCCACGGTGAAGATGTCCAGTGATTTACAGTATGGCATGAGAACAAGCTGTGA[A>G]GAAATGAGAACGGCCAAACATCCTTACAGTGGTGCCCCATGGCATGGGTTTAAGCAAGCA-3'

ClinVar aggregate classification (germline): Likely benign (1 of 4 stars; one submission).

Conditions:
LAMB1-related disorder. Also called: LAMB1-related condition.

gnomAD v4.1: 4 of 1,613,746 alleles (0.00025%); highest among the groups gnomAD compares: Non-Finnish European, 0.00025%; no homozygotes.

Submission:

PreventionGenetics, part of Exact Sciences
Classification: Likely benign for LAMB1-related condition. Last evaluated: 2024-12-18. Review status: criteria provided, single submitter. Criteria: ACMG Guidelines, 2015. Collection method: clinical testing. Allele origin: germline.
Comment: This variant is classified as likely benign based on ACMG/AMP sequence variant interpretation guidelines (Richards et al. 2015 PMID: 25741868, with internal and published modifications).